The following is an entry in ClinVar:

NM_016507.4(CDK12):c.4304C>A (p.Thr1435Asn)

Gene: CDK12 (cyclin dependent kinase 12; plus strand). Cytogenetic location: 17q12.
Variant type: single nucleotide variant.
Coding change: c.4304C>A on transcript NM_016507.4 (MANE Select); coding-DNA position 4304, C replaced by A.
Protein change: p.Thr1435Asn; replaces threonine 1435 with asparagine.
Molecular consequence: missense variant.
Genome position (GRCh38, 1-based): chr17:39,531,147, C>A. VCF-style: chr17-39531147-C-A. GRCh37 (hg19) VCF-style: chr17-37687400-C-A.
Other names: c.4277C>A, p.Thr1426Asn (NM_015083.4); short protein forms T1426N, T1435N.
Identifiers: ClinVar variation 4651397 (VCV004651397.1).

ClinVar aggregate classification (germline): Uncertain significance (1 of 4 stars; one submission).

gnomAD v4.1: 4 of 1,534,922 alleles (0.00026%); highest among the groups gnomAD compares: Non-Finnish European, 0.00035%; no homozygotes.

Submission:

Ambry Genetics
Classification: Uncertain significance. Last evaluated: 2025-10-23. Review status: criteria provided, single submitter. Criteria: Ambry Variant Classification Scheme 2023. Collection method: clinical testing. Allele origin: germline.
Comment: The p.T1435N variant (also known as c.4304C>A), located in coding exon 14 of the CDK12 gene, results from a C to A substitution at nucleotide position 4304. The threonine at codon 1435 is replaced by asparagine, an amino acid with similar properties. This amino acid position is conserved. In addition, this alteration is predicted to be tolerated by in silico analysis. Based on the available evidence, the clinical significance of this variant remains unclear.